The following is an entry in ClinVar:

ClinVar aggregate classification (germline): Uncertain significance (1 of 4 stars; one submission).

Submission:

Mayo Clinic Laboratories, Mayo Clinic
Classification: Uncertain significance. Last evaluated: 2025-02-21. Review status: criteria provided, single submitter. Criteria: ACMG Guidelines, 2015. Collection method: clinical testing. Allele origin: germline. Observed: 1 variant allele.
Comment: BP4, PM2_supporting

NM_001365276.2(TNXB):c.11141C>T (p.Thr3714Met)

Genes: TNXB (tenascin XB; minus strand), LOC106780803 (tenascin XB recombination region; plus strand). Cytogenetic location: 6p21.33.
Variant type: single nucleotide variant.
Coding change: c.11141C>T on transcript NM_001365276.2 (MANE Select); coding-DNA position 11141, C replaced by T.
Protein change: p.Thr3714Met; replaces threonine 3714 with methionine.
Molecular consequence: missense variant.
Genome position (GRCh38, 1-based): chr6:32,044,503, G>A on the plus strand (C>T on the coding strand, the complement: TNXB is on the minus strand). VCF-style: chr6-32044503-G-A. GRCh37 (hg19) VCF-style: chr6-32012280-G-A.
Other names: p.Thr3712Met; c.11882C>T, p.Thr3961Met (NM_001428335.1); c.11135C>T, p.Thr3712Met (NM_019105.8); c.428C>T, p.Thr143Met (NM_032470.4); short protein forms T3712M, T3714M, T143M, T3961M.
Identifiers: ClinVar variation 4541129 (VCV004541129.1).